The following is an entry in ClinVar:

NM_018557.3(LRP1B):c.9877G>A (p.Gly3293Arg)

Gene: LRP1B (LDL receptor related protein 1B; minus strand). Cytogenetic location: 2q22.1.
Variant type: single nucleotide variant.
Coding change: c.9877G>A on transcript NM_018557.3 (MANE Select); coding-DNA position 9877, G replaced by A.
Protein change: p.Gly3293Arg; replaces glycine 3293 with arginine.
Molecular consequence: missense variant.
Genome position (GRCh38, 1-based): chr2:140,456,541, C>T on the plus strand (G>A on the coding strand, the complement: LRP1B is on the minus strand). VCF-style: chr2-140456541-C-T. GRCh37 (hg19) VCF-style: chr2-141214110-C-T.
Other names: short protein forms G3293R.
Identifiers: ClinVar variation 5023665 (VCV005023665.1).

ClinVar aggregate classification (germline): Uncertain significance (1 of 4 stars; one submission).

gnomAD v4.1: 8 of 1,613,146 alleles (0.0005%); highest among the groups gnomAD compares: East Asian, 0.0089%; no homozygotes.

Submission:

Ambry Genetics
Classification: Uncertain significance. Last evaluated: 2026-07-01. Review status: criteria provided, single submitter. Criteria: Ambry Variant Classification Scheme 2023. Collection method: clinical testing. Allele origin: germline.
Comment: The p.G3293R variant (also known as c.9877G>A), located in coding exon 62 of the LRP1B gene, results from a G to A substitution at nucleotide position 9877. The glycine at codon 3293 is replaced by arginine, an amino acid with dissimilar properties. This amino acid position is conserved. In addition, the in silico prediction for this alteration is inconclusive. Based on the available evidence, the clinical significance of this variant remains unclear.